The following is an entry in ClinVar:

NM_004795.4(KL):c.1865T>C (p.Met622Thr)

Gene: KL (klotho; plus strand). Cytogenetic location: 13q13.1.
Variant type: single nucleotide variant.
Coding change: c.1865T>C on transcript NM_004795.4 (MANE Select); coding-DNA position 1865, T replaced by C.
Protein change: p.Met622Thr; replaces methionine 622 with threonine.
Molecular consequence: missense variant.
Genome position (GRCh38, 1-based): chr13:33,060,944, T>C. VCF-style: chr13-33060944-T-C. GRCh37 (hg19) VCF-style: chr13-33635081-T-C.
Other names: short protein forms M622T.
Identifiers: ClinVar variation 2193501 (VCV002193501.4), dbSNP rs748251877, ClinGen allele CA6944196.

ClinVar aggregate classification (germline): Uncertain significance (1 of 4 stars; one submission).

Allele frequency attached by ClinVar (database versions not stated): ExAC 0.00001; gnomAD 0.00001; gnomAD exomes 0.00001; TOPMed 0.00001.
gnomAD v4.1: 8 of 1,611,928 alleles (0.0005%); highest among the groups gnomAD compares: Admixed American, 0.012%; no homozygotes.

Submission:

Labcorp Genetics (formerly Invitae), Labcorp
Classification: Uncertain significance. Last evaluated: 2023-07-03. Review status: criteria provided, single submitter. Criteria: Invitae Variant Classification Sherloc (09022015). Collection method: clinical testing. Allele origin: germline.
Comment: In summary, the available evidence is currently insufficient to determine the role of this variant in disease. Therefore, it has been classified as a Variant of Uncertain Significance. Advanced modeling of protein sequence and biophysical properties (such as structural, functional, and spatial information, amino acid conservation, physicochemical variation, residue mobility, and thermodynamic stability) performed at Invitae indicates that this missense variant is not expected to disrupt KL protein function. This variant is present in population databases (rs748251877, gnomAD 0.01%). ClinVar contains an entry for this variant (Variation ID: 2193501). This variant has not been reported in the literature in individuals affected with KL-related conditions. This sequence change replaces methionine, which is neutral and non-polar, with threonine, which is neutral and polar, at codon 622 of the KL protein (p.Met622Thr).